The following is an entry in ClinVar:

NM_004380.3(CREBBP):c.6747C>A (p.Arg2249=)

Gene: CREBBP (CREB binding lysine acetyltransferase; minus strand). Cytogenetic location: 16p13.3.
Variant type: single nucleotide variant.
Coding change: c.6747C>A on transcript NM_004380.3 (MANE Select); coding-DNA position 6747, C replaced by A.
Protein change: p.Arg2249=; no amino-acid change (arginine 2249 retained).
Molecular consequence: synonymous variant.
Genome position (GRCh38, 1-based): chr16:3,728,300, G>T on the plus strand (C>A on the coding strand, the complement: CREBBP is on the minus strand). VCF-style: chr16-3728300-G-T. GRCh37 (hg19) VCF-style: chr16-3778301-G-T.
Other names: c.6633C>A, p.Arg2211= (NM_001079846.1).
Identifiers: ClinVar variation 3356565 (VCV003356565.1).

ClinVar aggregate classification (germline): Likely benign (0 of 4 stars; one submission).

Conditions:
CREBBP-related disorder. Also called: CREBBP-related condition; CREBBP-related disorders.

Submission:

PreventionGenetics, part of Exact Sciences
Classification: Likely benign for CREBBP-related condition. Last evaluated: 2023-07-06. Review status: no assertion criteria provided. Collection method: clinical testing. Allele origin: germline.
Comment: This variant is classified as likely benign based on ACMG/AMP sequence variant interpretation guidelines (Richards et al. 2015 PMID: 25741868, with internal and published modifications).